The following is an entry in ClinVar:

NM_001042492.3(NF1):c.608C>G (p.Ala203Gly)

Gene: NF1 (neurofibromin 1; plus strand). Cytogenetic location: 17q11.2.
Variant type: single nucleotide variant.
Coding change: c.608C>G on transcript NM_001042492.3 (MANE Select); coding-DNA position 608, C replaced by G.
Protein change: p.Ala203Gly; replaces alanine 203 with glycine.
Molecular consequence: missense variant.
Genome position (GRCh38, 1-based): chr17:31,181,443, C>G. VCF-style: chr17-31181443-C-G. GRCh37 (hg19) VCF-style: chr17-29508461-C-G.
Other names: c.608C>G, p.Ala203Gly (NM_000267.4, NM_001128147.3); short protein forms A203G.
Identifiers: ClinVar variation 2716047 (VCV002716047.3), dbSNP rs2066131277, ClinGen allele CA398989296.

ClinVar aggregate classification (germline): Uncertain significance (1 of 4 stars; one submission).

Conditions:
Neurofibromatosis, type 1 (NF1). Also called: Neurofibromatosis, type I; NEUROFIBROMATOSIS, TYPE I, SOMATIC; Peripheral type neurofibromatosis; VON RECKLINGHAUSEN DISEASE. Identifiers: Orphanet 636, MedGen C0027831, MONDO:0018975, OMIM 162200. Disease mechanism: loss of function.

Allele frequency attached by ClinVar (database versions not stated): TOPMed below 0.00001; gnomAD 0.00001.
gnomAD v4.1: 1 of 1,613,164 alleles (0.000062%); highest among the groups gnomAD compares: Non-Finnish European, 0.000085%; no homozygotes.

Submission:

Labcorp Genetics (formerly Invitae), Labcorp
Classification: Uncertain significance for Neurofibromatosis, type 1. Last evaluated: 2023-11-01. Review status: criteria provided, single submitter. Criteria: Invitae Variant Classification Sherloc (09022015). Collection method: clinical testing. Allele origin: germline.
Comment: This sequence change replaces alanine, which is neutral and non-polar, with glycine, which is neutral and non-polar, at codon 203 of the NF1 protein (p.Ala203Gly). This variant is not present in population databases (gnomAD no frequency). This variant has not been reported in the literature in individuals affected with NF1-related conditions. Advanced modeling of protein sequence and biophysical properties (such as structural, functional, and spatial information, amino acid conservation, physicochemical variation, residue mobility, and thermodynamic stability) has been performed at Invitae for this missense variant, however the output from this modeling did not meet the statistical confidence thresholds required to predict the impact of this variant on NF1 protein function. In summary, the available evidence is currently insufficient to determine the role of this variant in disease. Therefore, it has been classified as a Variant of Uncertain Significance.